The following is an entry in ClinVar:

NM_152309.3(PIK3AP1):c.1650C>T (p.Asn550=)

Gene: PIK3AP1 (phosphoinositide-3-kinase adaptor protein 1; minus strand). Cytogenetic location: 10q24.1.
Variant type: single nucleotide variant.
Coding change: c.1650C>T on transcript NM_152309.3 (MANE Select); coding-DNA position 1650, C replaced by T.
Protein change: p.Asn550=; no amino-acid change (asparagine 550 retained).
Molecular consequence: synonymous variant.
Genome position (GRCh38, 1-based): chr10:96,626,727, G>A on the plus strand (C>T on the coding strand, the complement: PIK3AP1 is on the minus strand). VCF-style: chr10-96626727-G-A. GRCh37 (hg19) VCF-style: chr10-98386484-G-A.
Identifiers: ClinVar variation 774373 (VCV000774373.13), dbSNP rs749043096, ClinGen allele CA5626206.

ClinVar aggregate classification (germline): Likely benign. Review status: criteria provided, multiple submitters, no conflicts (2 of 4 stars). 3 submissions from 3 submitters: Likely benign (2). 1 of the submissions does not count toward it. Last evaluated 2025-09-04.

Conditions:
PIK3AP1-related disorder. Also called: PIK3AP1-related condition.
Infantile spasms. Also called: Infantile spasm. Identifiers: MedGen C3887898, HP:0012469.

Allele frequency attached by ClinVar (database versions not stated): gnomAD 0.00002 and 0.00003; TOPMed 0.00002.
gnomAD v4.1: 91 of 1,614,058 alleles (0.0056%); highest among the groups gnomAD compares: Middle Eastern, 0.3%; 2 homozygotes.

Submissions (3):

Labcorp Genetics (formerly Invitae), Labcorp
Classification: Likely benign for Infantile spasms. Last evaluated: 2025-09-04. Review status: criteria provided, single submitter. Criteria: Invitae Variant Classification Sherloc (09022015). Collection method: clinical testing. Allele origin: germline.

Breakthrough Genomics
Classification: Likely benign. Review status: criteria provided, single submitter. Criteria: ACMG Guidelines, 2015. Collection method: not provided. Allele origin: germline. Inheritance: Unknown mechanism. Affected: yes.

PreventionGenetics, part of Exact Sciences
Classification: Likely benign for PIK3AP1-related condition. Last evaluated: 2019-08-14. Review status: no assertion criteria provided. Collection method: clinical testing. Allele origin: germline. Not counted in ClinVar's aggregate classification.
Comment: This variant is classified as likely benign based on ACMG/AMP sequence variant interpretation guidelines (Richards et al. 2015 PMID: 25741868, with internal and published modifications).